The following is an entry in ClinVar:

ClinVar aggregate classification (germline): Conflicting classifications of pathogenicity. Review status: criteria provided, conflicting classifications (1 of 4 stars). 2 submissions from 2 submitters: Likely pathogenic (1); Uncertain significance (1). Last evaluated 2015-02-02.

Submissions (2):

Laboratory for Molecular Medicine, Mass General Brigham Personalized Medicine
Classification: Uncertain significance. Last evaluated: 2015-02-02. Review status: criteria provided, single submitter. Criteria: LMM Criteria. Collection method: clinical testing. Allele origin: germline. Observed: 1 variant allele.
Comment: Variant classified as Uncertain Significance - Favor Pathogenic. The p.Glu1490As p variant in MYH7 has not been previously reported in individuals with cardiomyo pathy and was absent from large population studies. Glutamic acid (Glu) at posit ion 1490 is highly conserved in mammals and across evolutionarily distant specie s and the change to aspartic acid (Asp) was predicted to be pathogenic using a c omputational tool clinically validated by our laboratory. This tool's pathogenic prediction is estimated to be correct 94% of the time (Jordan 2011). In summary , while there is some suspicion for a pathogenic role, the clinical significance of the p.Glu1490Asp variant is uncertain.

GeneDx
Classification: Likely pathogenic. Last evaluated: 2011-07-12. Review status: criteria provided, single submitter. Criteria: GeneDx Variant Classification (06012015). Collection method: clinical testing. Allele origin: germline. Affected: yes.
Comment: This mutation is denoted p.Glu1490Asp (E1490D) at the protein level and c.4470 G>C at the cDNA level. The Glu1490Asp variant in the MYH7 gene has not been reported previously as a disease-causing mutation or as a benign polymorphism, to our knowledge. Although Glu1490Asp results in a conservative amino acid substitution of one negatively charged, polar amino acid with another, it occurs at a position that is highly conserved throughout evolution. Additionally, in silico analysis predicts Glu1490Asp to be probably damaging to the protein structure/function. Mutations in nearby codons (Tyr1488Cys, Ser1491Cys, Glu1496Ala) have been reported in association with left ventricular non-compaction and HCM, further supporting the functional importance of this region of the protein. Glu1490Asp was not observed in up to 400 alleles from control individuals of African American and Caucasian ancestry tested at GeneDx, indicating it is not a common benign polymorphism in these populations. In summary, while the Glu1490Asp variant is a good candidate for a disease-causing mutation, we cannot unequivocally determine whether Glu1490Asp is a disease-causing mutation or a rare benign variant. The variant is found in HCM panel(s).

Literature cited by the submitters: PubMed 21310275 (cited by Laboratory for Molecular Medicine, Mass General Brigham Personalized Medicine).

NM_000257.4(MYH7):c.4470G>C (p.Glu1490Asp)

Genes: MHRT (myosin heavy chain associated RNA transcript; plus strand), MYH7 (myosin heavy chain 7; minus strand). Cytogenetic location: 14q11.2.
Variant type: single nucleotide variant.
Coding change: c.4470G>C on transcript NM_000257.4 (MANE Select); coding-DNA position 4470, G replaced by C.
Protein change: p.Glu1490Asp; replaces glutamic acid 1490 with aspartic acid.
Molecular consequence: missense variant.
Genome position (GRCh38, 1-based): chr14:23,417,202, C>G on the plus strand (G>C on the coding strand, the complement: MYH7 is on the minus strand). VCF-style: chr14-23417202-C-G. GRCh37 (hg19) VCF-style: chr14-23886411-C-G.
Other names: p.E1490D:GAG>GAC; short protein forms E1490D.
Identifiers: ClinVar variation 181390 (VCV000181390.5), dbSNP rs730880911, ClinGen allele CA015001.